The following is an entry in ClinVar:

NM_004519.4(KCNQ3):c.478-20C>T

Gene: KCNQ3 (potassium voltage-gated channel subfamily Q member 3; minus strand). Cytogenetic location: 8q24.22.
Variant type: single nucleotide variant.
Coding change: c.478-20C>T on transcript NM_004519.4 (MANE Select); 20 bases into the intron before coding-DNA position 478, C replaced by T.
Molecular consequence: intron variant.
Genome position (GRCh38, 1-based): chr8:132,184,387, G>A on the plus strand (C>T on the coding strand, the complement: KCNQ3 is on the minus strand). VCF-style: chr8-132184387-G-A. GRCh37 (hg19) VCF-style: chr8-133196634-G-A.
Other names: c.118-20C>T (NM_001204824.2).
Identifiers: ClinVar variation 511566 (VCV000511566.8), dbSNP rs543697742, ClinGen allele CA4880907.

ClinVar aggregate classification (germline): Likely benign. Review status: criteria provided, multiple submitters, no conflicts (2 of 4 stars). 3 submissions from 3 submitters: Likely benign (3). Last evaluated 2025-10-16.

Conditions:
Benign neonatal seizures. Also called: Benign familial neonatal seizures; Benign familial neonatal epilepsy; Convulsions benign familial neonatal dominant form; Autosomal dominant form of benign neonatal seizures; Benign neonatal familial convulsions. Identifiers: Orphanet 1949, MedGen C0220669, MONDO:0016027.

Allele frequency attached by ClinVar (database versions not stated): TOPMed below 0.00001; gnomAD 0.00001 and 0.00003; gnomAD exomes 0.00001 and 0.00006; ExAC 0.00005; 1000 Genomes Project 30x 0.00016; 1000 Genomes Project 0.00020.
gnomAD v4.1: 19 of 1,613,524 alleles (0.0012%); highest among the groups gnomAD compares: East Asian, 0.036%; no homozygotes.

Submissions (3):

Labcorp Genetics (formerly Invitae), Labcorp
Classification: Likely benign for Benign neonatal seizures. Last evaluated: 2025-10-16. Review status: criteria provided, single submitter. Criteria: Invitae Variant Classification Sherloc (09022015). Collection method: clinical testing. Allele origin: germline.

Blueprint Genetics
Classification: Likely benign. Last evaluated: 2024-02-29. Review status: criteria provided, single submitter. Criteria: ACMG Guidelines, 2015. Collection method: clinical testing. Allele origin: germline.

GeneDx
Classification: Likely benign. Last evaluated: 2017-08-17. Review status: criteria provided, single submitter. Criteria: GeneDx Variant Classification (06012015). Collection method: clinical testing. Allele origin: germline. Affected: yes.
Comment: This variant is considered likely benign or benign based on one or more of the following criteria: it is a conservative change, it occurs at a poorly conserved position in the protein, it is predicted to be benign by multiple in silico algorithms, and/or has population frequency not consistent with disease.